The following is an entry in ClinVar:

ClinVar aggregate classification (germline): Uncertain significance (1 of 4 stars; one submission).

Submission:

Dasa
Classification: Uncertain significance. Last evaluated: 2025-08-12. Review status: criteria provided, single submitter. Criteria: DASA Assertion Criteria. Collection method: clinical testing. Allele origin: germline.
Comment: NM_173628.4(DNAH17):c.7774G>A (p.Val2592Met) is a missense variant that results in the substitution of valine with methionine. This variant is absent from population databases. Computational prediction algorithms are consistent with a benign effect. The currently available literature and clinical evidence are not sufficient to establish a definitive association between this variant and the reported condition. Therefore, this variant is classified as a variant of uncertain significance.

NM_173628.4(DNAH17):c.7774G>A (p.Val2592Met)

Gene: DNAH17 (dynein axonemal heavy chain 17; minus strand). Cytogenetic location: 17q25.3.
Variant type: single nucleotide variant.
Coding change: c.7774G>A on transcript NM_173628.4 (MANE Select); coding-DNA position 7774, G replaced by A.
Protein change: p.Val2592Met; replaces valine 2592 with methionine.
Molecular consequence: missense variant.
Genome position (GRCh38, 1-based): chr17:78,479,611, C>T on the plus strand (G>A on the coding strand, the complement: DNAH17 is on the minus strand). VCF-style: chr17-78479611-C-T. GRCh37 (hg19) VCF-style: chr17-76475693-C-T.
Other names: short protein forms V2592M.
Identifiers: ClinVar variation 4886023 (VCV004886023.2).